The following is an entry in ClinVar:

NM_006416.5(SLC35A1):c.887-14T>C

Gene: SLC35A1 (solute carrier family 35 member A1; plus strand). Cytogenetic location: 6q15.
Variant type: single nucleotide variant.
Coding change: c.887-14T>C on transcript NM_006416.5 (MANE Select); 14 bases into the intron before coding-DNA position 887, T replaced by C.
Molecular consequence: intron variant.
Genome position (GRCh38, 1-based): chr6:87,511,385, T>C. VCF-style: chr6-87511385-T-C. GRCh37 (hg19) VCF-style: chr6-88221103-T-C.
Other names: p.?; c.710-14T>C (NM_001168398.2).
Identifiers: ClinVar variation 95394 (VCV000095394.22), dbSNP rs56136150, ClinGen allele CA148514.
Genomic context (GRCh38, chr6:87,511,385, plus strand): 5'-CAAAATTTTAAACTGATCATTAGGCATTTTAAAGACACACATACAGATAAAGCTATTTTT[T>C]TTTTTCTTTTCAGCACTCACCTTTGCCCTGGGTACTCTTCTTGTATGTGTTTCCATATAT-3'

ClinVar aggregate classification (germline): Benign/Likely benign. Review status: criteria provided, multiple submitters, no conflicts (2 of 4 stars). 6 submissions from 6 submitters: Benign (5); Likely benign (1). Last evaluated 2026-02-02.

Conditions:
SLC35A1-congenital disorder of glycosylation. Also called: SLC35A1-CDG; CONGENITAL DISORDER OF GLYCOSYLATION, TYPE IIf; CDG IIf. Identifiers: Orphanet 238459, MedGen C1970344, MONDO:0011342, OMIM 603585.

Allele frequency attached by ClinVar (database versions not stated): gnomAD exomes 0.09857 and 0.10608; ESP Exome Variant Server 0.09995; ExAC 0.10465; gnomAD 0.10745 and 0.10768; TOPMed 0.11274; 1000 Genomes Project 0.11502; 1000 Genomes Project 30x 0.11774.
gnomAD v4.1: 160,467 of 1,612,446 alleles (10%); highest among the groups gnomAD compares: East Asian, 15%; 8,338 homozygotes.

Submissions (6):

Labcorp Genetics (formerly Invitae), Labcorp
Classification: Benign for SLC35A1-congenital disorder of glycosylation. Last evaluated: 2026-02-02. Review status: criteria provided, single submitter. Criteria: Invitae Variant Classification Sherloc (09022015). Collection method: clinical testing. Allele origin: germline.

Mayo Clinic Laboratories, Mayo Clinic
Classification: Benign. Last evaluated: 2018-10-02. Review status: criteria provided, single submitter. Criteria: ACMG Guidelines, 2015. Collection method: clinical testing. Allele origin: germline. Observed: 9 variant alleles.

Laboratory for Molecular Medicine, Mass General Brigham Personalized Medicine
Classification: Benign. Last evaluated: 2016-03-29. Review status: criteria provided, single submitter. Criteria: LMM Criteria. Collection method: clinical testing. Allele origin: germline.
Comment: Variant identified in a genome or exome case(s) and assessed due to predicted null impact of the variant or pathogenic assertions in the literature or databases. Disclaimer: This variant has not undergone full assessment. The following are preliminary notes: Frequency

GeneDx
Classification: Benign. Last evaluated: 2015-12-02. Review status: criteria provided, single submitter. Criteria: GeneDx Variant Classification (06012015). Collection method: clinical testing. Allele origin: germline. Affected: yes.
Comment: This variant is considered likely benign or benign based on one or more of the following criteria: it is a conservative change, it occurs at a poorly conserved position in the protein, it is predicted to be benign by multiple in silico algorithms, and/or has population frequency not consistent with disease.

Eurofins Ntd Llc (ga)
Classification: Benign. Last evaluated: 2012-10-09. Review status: criteria provided, single submitter. Criteria: EGL Classification Definitions 2015. Collection method: clinical testing. Allele origin: germline. Observed: 12 variant alleles, 10 heterozygotes, 2 homozygotes.

Breakthrough Genomics
Classification: Likely benign. Review status: criteria provided, single submitter. Criteria: ACMG Guidelines, 2015. Collection method: not provided. Allele origin: germline. Inheritance: Autosomal recessive inheritance. Affected: yes.